The following is an entry in ClinVar:

NM_025216.3(WNT10A):c.212A>T (p.Gln71Leu)

Gene: WNT10A (Wnt family member 10A; plus strand). Cytogenetic location: 2q35.
Variant type: single nucleotide variant.
Coding change: c.212A>T on transcript NM_025216.3 (MANE Select); coding-DNA position 212, A replaced by T.
Protein change: p.Gln71Leu; replaces glutamine 71 with leucine.
Molecular consequence: missense variant.
Genome position (GRCh38, 1-based): chr2:218,882,259, A>T. VCF-style: chr2-218882259-A-T. GRCh37 (hg19) VCF-style: chr2-219746981-A-T.
Other names: short protein forms Q71L.
Identifiers: ClinVar variation 575490 (VCV000575490.8), dbSNP rs368943130, ClinGen allele CA2113861.

ClinVar aggregate classification (germline): Uncertain significance. Review status: criteria provided, multiple submitters, no conflicts (2 of 4 stars). 2 submissions from 2 submitters: Uncertain significance (2). Last evaluated 2023-11-16.

Conditions:
Tooth agenesis, selective, 4 (STHAG4). Also called: SUCCEDANEOUS TEETH, AGENESIS OF; TOOTH AGENESIS, SELECTIVE, 4, WITH OR WITHOUT ECTODERMAL DYSPLASIA; LATERAL INCISORS, ABSENCE OF; LATERAL INCISORS, PEGGED OR MISSING. Identifiers: Orphanet 99798, MedGen C1835492, MONDO:0007881, OMIM 150400. Disease mechanism: loss of function.
Odonto-onycho-dermal dysplasia. Identifiers: Orphanet 2721, MedGen C0796093, MONDO:0009773, OMIM 257980.

Allele frequency attached by ClinVar (database versions not stated): gnomAD 0.00001; TOPMed 0.00001; ExAC 0.00002; gnomAD exomes 0.00002; ESP Exome Variant Server 0.00008.
gnomAD v4.1: 25 of 1,614,060 alleles (0.0015%); highest among the groups gnomAD compares: Non-Finnish European, 0.0021%; no homozygotes.

Submissions (2):

Blueprint Genetics
Classification: Uncertain significance. Last evaluated: 2023-11-16. Review status: criteria provided, single submitter. Criteria: ACMG Guidelines, 2015. Collection method: clinical testing. Allele origin: germline.

Labcorp Genetics (formerly Invitae), Labcorp
Classification: Uncertain significance for Tooth agenesis, selective, 4; Odonto-onycho-dermal dysplasia. Last evaluated: 2021-08-26. Review status: criteria provided, single submitter. Criteria: Invitae Variant Classification Sherloc (09022015). Collection method: clinical testing. Allele origin: germline.
Comment: This sequence change replaces glutamine with leucine at codon 71 of the WNT10A protein (p.Gln71Leu). The glutamine residue is highly conserved and there is a moderate physicochemical difference between glutamine and leucine. This variant is present in population databases (rs368943130, ExAC 0.004%). This variant has not been reported in the literature in individuals affected with WNT10A-related conditions. Algorithms developed to predict the effect of missense changes on protein structure and function (SIFT, PolyPhen-2, Align-GVGD) all suggest that this variant is likely to be disruptive. In summary, the available evidence is currently insufficient to determine the role of this variant in disease. Therefore, it has been classified as a Variant of Uncertain Significance.